The following is an entry in ClinVar:

NM_000222.3(KIT):c.1539A>G (p.Lys513=)

Gene: KIT (KIT proto-oncogene, receptor tyrosine kinase; plus strand). Cytogenetic location: 4q12.
Variant type: single nucleotide variant.
Coding change: c.1539A>G on transcript NM_000222.3 (MANE Select); coding-DNA position 1539, A replaced by G.
Protein change: p.Lys513=; no amino-acid change (lysine 513 retained).
Molecular consequence: synonymous variant. On other transcripts: intron variant (4).
Genome position (GRCh38, 1-based): chr4:54,726,049, A>G. VCF-style: chr4-54726049-A-G. GRCh37 (hg19) VCF-style: chr4-55592215-A-G.
Other names: c.1542A>G, p.Lys514= (NM_001385284.1, NM_001385290.1); c.1539A>G, p.Lys513= (NM_001385285.1); c.1531+11A>G (NM_001385288.1, NM_001385292.1); c.1528+11A>G (NM_001093772.2, NM_001385286.1).
Identifiers: ClinVar variation 569491 (VCV000569491.7), dbSNP rs1560416214, ClinGen allele CA439290987.

ClinVar aggregate classification (germline): Uncertain significance (1 of 4 stars; one submission).

Conditions:
Gastrointestinal stromal tumor. Also called: Gastrointestinal stromal tumor, somatic; Gastrointestinal stroma tumor. Identifiers: Orphanet 44890, MedGen C0238198, MeSH D046152, MONDO:0011719, OMIM 606764, HP:0100723.

Submission:

Labcorp Genetics (formerly Invitae), Labcorp
Classification: Uncertain significance for Gastrointestinal stromal tumor. Last evaluated: 2018-01-10. Review status: criteria provided, single submitter. Criteria: Invitae Variant Classification Sherloc (09022015). Collection method: clinical testing. Allele origin: germline.
Comment: In summary, the available evidence is currently insufficient to determine the role of this variant in disease. Therefore, it has been classified as a Variant of Uncertain Significance. Algorithms developed to predict the effect of sequence changes on RNA splicing suggest that this variant may disrupt the consensus splice site, but this prediction has not been confirmed by published transcriptional studies. This variant has not been reported in the literature in individuals with KIT-related disease. This variant is not present in population databases (ExAC no frequency). This sequence change affects codon 513 of the KIT mRNA. It is a 'silent' change, meaning that it does not change the encoded amino acid sequence of the KIT protein.